The following is an entry in ClinVar:

NM_002334.4(LRP4):c.514G>A (p.Asp172Asn)

Gene: LRP4 (LDL receptor related protein 4; minus strand). Cytogenetic location: 11p11.2.
Variant type: single nucleotide variant.
Coding change: c.514G>A on transcript NM_002334.4 (MANE Select); coding-DNA position 514, G replaced by A.
Protein change: p.Asp172Asn; replaces aspartic acid 172 with asparagine.
Molecular consequence: missense variant.
Genome position (GRCh38, 1-based): chr11:46,899,420, C>T on the plus strand (G>A on the coding strand, the complement: LRP4 is on the minus strand). VCF-style: chr11-46899420-C-T. GRCh37 (hg19) VCF-style: chr11-46920971-C-T.
Other names: short protein forms D172N.
Identifiers: ClinVar variation 1485308 (VCV001485308.6), dbSNP rs780819863, ClinGen allele CA5970478.

ClinVar aggregate classification (germline): Uncertain significance (1 of 4 stars; one submission).

Conditions:
Sclerosteosis 2 (SOST2). Identifiers: Orphanet 3152, MedGen C3280402, MONDO:0013679, OMIM 614305.
Congenital myasthenic syndrome 17. Identifiers: Orphanet 590, MedGen C4225377, MONDO:0014578, OMIM 616304.
Cenani-Lenz syndactyly syndrome. Also called: CENANI SYNDACTYLISM; SYNDACTYLY, TYPE VII. Identifiers: Orphanet 3258, MedGen C1859309, MONDO:0008931, OMIM 212780.

Allele frequency attached by ClinVar (database versions not stated): gnomAD exomes 0.00001.

Submission:

Labcorp Genetics (formerly Invitae), Labcorp
Classification: Uncertain significance for Cenani-Lenz syndactyly syndrome; Sclerosteosis 2; Congenital myasthenic syndrome 17. Last evaluated: 2022-06-05. Review status: criteria provided, single submitter. Criteria: Invitae Variant Classification Sherloc (09022015). Collection method: clinical testing. Allele origin: germline.
Comment: This sequence change replaces aspartic acid, which is acidic and polar, with asparagine, which is neutral and polar, at codon 172 of the LRP4 protein (p.Asp172Asn). This variant is present in population databases (rs780819863, gnomAD 0.003%). This variant has not been reported in the literature in individuals affected with LRP4-related conditions. ClinVar contains an entry for this variant (Variation ID: 1485308). Algorithms developed to predict the effect of missense changes on protein structure and function are either unavailable or do not agree on the potential impact of this missense change (SIFT: "Deleterious"; PolyPhen-2: "Possibly Damaging"; Align-GVGD: "Class C0"). In summary, the available evidence is currently insufficient to determine the role of this variant in disease. Therefore, it has been classified as a Variant of Uncertain Significance.